The following is an entry in ClinVar:

ClinVar aggregate classification (germline): Uncertain significance. Review status: criteria provided, multiple submitters, no conflicts (2 of 4 stars). 2 submissions from 2 submitters: Uncertain significance (2). Last evaluated 2025-08-11.

Conditions:
Inborn genetic diseases. Identifiers: MedGen C0950123, MeSH D030342.

Allele frequency attached by ClinVar (database versions not stated): gnomAD 0.00001.
gnomAD v4.1: 26 of 1,613,840 alleles (0.0016%); highest among the groups gnomAD compares: Non-Finnish European, 0.0022%; no homozygotes.

Submissions (2):

Ambry Genetics
Classification: Uncertain significance for Inborn genetic diseases. Last evaluated: 2025-08-11. Review status: criteria provided, single submitter. Criteria: Ambry Variant Classification Scheme 2023. Collection method: clinical testing. Allele origin: germline.

Labcorp Genetics (formerly Invitae), Labcorp
Classification: Uncertain significance. Last evaluated: 2025-05-15. Review status: criteria provided, single submitter. Criteria: Invitae Variant Classification Sherloc (09022015). Collection method: clinical testing. Allele origin: germline.
Comment: This sequence change replaces proline, which is neutral and non-polar, with histidine, which is basic and polar, at codon 1214 of the ASXL2 protein (p.Pro1214His). This variant is present in population databases (rs770401493, gnomAD 0.0009%). This variant has not been reported in the literature in individuals affected with ASXL2-related conditions. ClinVar contains an entry for this variant (Variation ID: 2310064). Invitae Evidence Modeling of protein sequence and biophysical properties (such as structural, functional, and spatial information, amino acid conservation, physicochemical variation, residue mobility, and thermodynamic stability) indicates that this missense variant is not expected to disrupt ASXL2 protein function with a negative predictive value of 80%. In summary, the available evidence is currently insufficient to determine the role of this variant in disease. Therefore, it has been classified as a Variant of Uncertain Significance.

NM_018263.6(ASXL2):c.3641C>A (p.Pro1214His)

Gene: ASXL2 (ASXL transcriptional regulator 2; minus strand). Cytogenetic location: 2p23.3.
Variant type: single nucleotide variant.
Coding change: c.3641C>A on transcript NM_018263.6 (MANE Select); coding-DNA position 3641, C replaced by A.
Protein change: p.Pro1214His; replaces proline 1214 with histidine.
Molecular consequence: missense variant.
Genome position (GRCh38, 1-based): chr2:25,742,696, G>T on the plus strand (C>A on the coding strand, the complement: ASXL2 is on the minus strand). VCF-style: chr2-25742696-G-T. GRCh37 (hg19) VCF-style: chr2-25965565-G-T.
Other names: c.3467C>A, p.Pro1156His (NM_001369346.1); c.2861C>A, p.Pro954His (NM_001369347.1); short protein forms P954H, P1214H, P1156H.
Identifiers: ClinVar variation 2310064 (VCV002310064.4), dbSNP rs770401493, ClinGen allele CA43734357.